The following is an entry in ClinVar:

NM_001161352.2(KCNMA1):c.2956G>C (p.Gly986Arg)

Genes: KCNMA1 (potassium calcium-activated channel subfamily M alpha 1; minus strand), KCNMA1-AS1 (KCNMA1 antisense RNA 1; plus strand). Cytogenetic location: 10q22.3.
Variant type: single nucleotide variant.
Coding change: c.2956G>C on transcript NM_001161352.2 (MANE Select); coding-DNA position 2956, G replaced by C.
Protein change: p.Gly986Arg; replaces glycine 986 with arginine.
Molecular consequence: missense variant.
Genome position (GRCh38, 1-based): chr10:76,914,996, C>G on the plus strand (G>C on the coding strand, the complement: KCNMA1 is on the minus strand). VCF-style: chr10-76914996-C-G. GRCh37 (hg19) VCF-style: chr10-78674754-C-G.
Other names: c.2794G>C, p.Gly932Arg (NM_001014797.3, NM_001322835.2, NM_001322837.2); c.2905G>C, p.Gly969Arg (NM_001161353.2); c.2632G>C, p.Gly878Arg (NM_001271518.2); c.2791G>C, p.Gly931Arg (NM_001271519.2, NM_001322829.2, NM_001322836.2); c.2803G>C, p.Gly935Arg (NM_001322830.2); c.2782G>C, p.Gly928Arg (NM_001322832.2, NM_002247.4); c.2329G>C, p.Gly777Arg (NM_001322838.2); short protein forms G986R, G777R, G928R, G969R, G931R, G932R, G878R, G935R.
Identifiers: ClinVar variation 854481 (VCV000854481.19), dbSNP rs763598041, ClinGen allele CA5567951.

ClinVar aggregate classification (germline): Uncertain significance. Review status: criteria provided, multiple submitters, no conflicts (2 of 4 stars). 3 submissions from 3 submitters: Uncertain significance (3). Last evaluated 2025-07-01.

Conditions:
Generalized epilepsy-paroxysmal dyskinesia syndrome (PNKD3). Also called: Paroxysmal nonkinesigenic dyskinesia, 3, with or without generalized epilepsy; Generalized epilepsy and paroxysmal dyskinesia. Identifiers: Orphanet 79137, MedGen C5574945, MONDO:0012276, OMIM 609446.

Allele frequency attached by ClinVar (database versions not stated): ExAC 0.00002; TOPMed 0.00003.
gnomAD v4.1: 34 of 1,613,528 alleles (0.0021%); highest among the groups gnomAD compares: African/African-American, 0.004%; no homozygotes.

Submissions (3):

CeGaT Center for Human Genetics Tuebingen
Classification: Uncertain significance. Last evaluated: 2025-07-01. Review status: criteria provided, single submitter. Criteria: CeGaT Center For Human Genetics Tuebingen Variant Classification Criteria Version 2. Collection method: clinical testing. Allele origin: germline. Affected: yes. Observed: 1 variant allele.

Labcorp Genetics (formerly Invitae), Labcorp
Classification: Uncertain significance for Generalized epilepsy-paroxysmal dyskinesia syndrome. Last evaluated: 2025-03-26. Review status: criteria provided, single submitter. Criteria: Invitae Variant Classification Sherloc (09022015). Collection method: clinical testing. Allele origin: germline.
Comment: This sequence change replaces glycine, which is neutral and non-polar, with arginine, which is basic and polar, at codon 928 of the KCNMA1 protein (p.Gly928Arg). This variant is present in population databases (rs763598041, gnomAD 0.007%). This variant has not been reported in the literature in individuals affected with KCNMA1-related conditions. ClinVar contains an entry for this variant (Variation ID: 854481). An algorithm developed to predict the effect of missense changes on protein structure and function (PolyPhen-2) suggests that this variant is likely to be disruptive. In summary, the available evidence is currently insufficient to determine the role of this variant in disease. Therefore, it has been classified as a Variant of Uncertain Significance.

Blueprint Genetics
Classification: Uncertain significance. Last evaluated: 2023-07-11. Review status: criteria provided, single submitter. Criteria: ACMG Guidelines, 2015. Collection method: clinical testing. Allele origin: germline.